The following is an entry in ClinVar:

ClinVar aggregate classification (germline): Pathogenic/Likely pathogenic. Review status: criteria provided, multiple submitters, no conflicts (2 of 4 stars). 15 submissions from 15 submitters: Pathogenic (11); Likely pathogenic (1). 3 of the submissions do not count toward it. Last evaluated 2026-09-28.

Conditions:
Beta-thalassemia HBB/LCRB. Identifiers: MedGen CN322236, MONDO:0013517, OMIM 613985.
METHEMOGLOBINEMIA, BETA TYPE. Also called: Methemoglobinemia, beta-globin type. Identifiers: MedGen C1840779, OMIM 617971.
Hb SS disease (SCD). Also called: Sickle cell anemia; Sickle cell disease; HbS disease; Hemoglobin S Disease; Sickling disorder due to hemoglobin S; Hemoglobin SS. Identifiers: Orphanet 232, Orphanet 275752, MedGen C0002895, MONDO:0011382, OMIM 603903.
Dominant beta-thalassemia. Also called: Beta-thalassemia, dominant inclusion body type. Identifiers: Orphanet 231226, Orphanet 848, MedGen C1858990, MONDO:0011381, OMIM 603902.
Erythrocytosis, familial, 6. Also called: ERYTHROCYTOSIS, BETA-GLOBIN TYPE; POLYCYTHEMIA, BETA-GLOBIN TYPE. Identifiers: MedGen C4693822, MONDO:0054801, OMIM 617980.
Heinz body anemia. Also called: Heinz body hemolytic anemia. Identifiers: Orphanet 178330, MedGen C0700299, MONDO:0007705, OMIM 140700, HP:0005511.
Malaria, susceptibility to. Identifiers: Orphanet 673, MedGen C1970028, MONDO:0021024, OMIM 611162.
alpha Thalassemia. Also called: Alpha thalassemia spectrum. Identifiers: Orphanet 846, MedGen C0002312, MONDO:0011399, OMIM 604131.
Hereditary persistence of fetal hemoglobin. Identifiers: MedGen C0019025, MONDO:0020989, OMIM 141749.
HBB-related disorder. Also called: HBB-related condition; HBB-related disorders. Identifiers: MedGen CN239378.
Beta thalassemia intermedia (BTHAL-ITMD). Identifiers: Orphanet 231222, MedGen C0472767, MONDO:0016487.
beta Thalassemia (BTHAL). Also called: Cooley's anemia; Erythroblastic anemia; Mediterranean anemia. Identifiers: Orphanet 848, MedGen C0005283, MONDO:0019402. Disease mechanism: loss of function.
BETA-PLUS-THALASSEMIA. Identifiers: MedGen C3841475.

Allele frequency attached by ClinVar (database versions not stated): TOPMed 0.00002.

Submissions 1 to 11 of 16:

Department of Molecular Genetics, Istishari Arab Hospital
Classification: Pathogenic for Beta-thalassemia HBB/LCRB. Last evaluated: 2026-09-28. Review status: criteria provided, single submitter. Criteria: ACMG Guidelines, 2015. Collection method: clinical testing. Allele origin: germline. Inheritance: Autosomal recessive inheritance. Affected: yes.
Comment: The HBB variant c.316-3C>A is located adjacent to a canonical splice-acceptor site and interferes with normal HBB mRNA splicing (PMID: 2920213). This variant has been reported to reduce the amount of normal beta-globin mRNA synthesized from the mutant allele and is associated with beta-thalassemia (PMIDs: 2458145, 2920213, 25617386, 28276871, 31718331, and 32069775). The variant is present at an extremely low frequency in gnomAD v4.1.0. It is classified as pathogenic based on the implementation of the ACMG/AMP/ClinGen SVI guidelines.

Natera, Inc.
Classification: Pathogenic for Beta thalassemia. Last evaluated: 2025-09-01. Review status: criteria provided, single submitter. Criteria: Natera Variant Classification Schema (03/2026). Collection method: clinical testing. Allele origin: germline.
Comment: The c.316-3C>A variant in HBB is an intronic variant located outside the canonical splice sites. This variant is rare in the general population with a frequency below the threshold expected for the associated phenotype(s). This variant has been observed in one or more individuals affected with the associated recessive disease, as either homozygous or compound heterozygous with a second variant (PMID: 10490138, 17365005, 25825561). Computational prediction algorithms indicate this variant is likely to affect gene or protein function. Given the available evidence, this variant is classified as Pathogenic.

ARUP Laboratories, Molecular Genetics and Genomics, ARUP Laboratories
Classification: Pathogenic. Last evaluated: 2025-03-26. Review status: criteria provided, single submitter. Criteria: ARUP Molecular Germline Variant Investigation Process 2024. Collection method: clinical testing. Allele origin: germline.
Comment: The HBB c.316-3C>A variant (rs33913413, HbVar ID: 901), commonly known as IVS-II-848C>A, is reported in the medical literature in individuals affected with beta+ thalassemia, either as a homozygous variant or a heterozygous variant in trans with another HBB variant (Atanasovska 2012, Elmezayen 2015, Gonzalez-Redondo 1988, Tuzmen 1997, Wong 1989, HbVar database). This variant is found on a single chromosome in the Genome Aggregation Database (1/250988 alleles), indicating it is not a common polymorphism. This is an intronic variant at a highly conserved nucleotide and computational algorithms (Alamut v.2.11) predict that this variant weakens the canonical splice acceptor site 5' of exon 3. In vitro functional studies have confirmed that this variant results in aberrant mRNA splicing, resulting in a longer transcript arising from a cryptic splice site 5' from the canonical site (Wong 1989). Based on available information, this variant is considered pathogenic. References: Link to HbVar database: Atanasovska B et al. Molecular Diagnostics of ÃŸ-Thalassemia. Balkan J Med Genet. 2012 Dec;15(Suppl):61-5. PMID: 24052746. Elmezayen A et al. ÃŸ-Globin Mutations in Egyptian Patients With ÃŸ-Thalassemia. Lab Med. 2015;46(1):8-13. PMID: 25617386. Gonzalez-Redondo J et al. Clinical and genetic heterogeneity in black patients with homozygous beta-thalassemia from the southeastern United States. Blood. 1988 Sep;72(3):1007-14. PMID: 2458145. Tuzmen S et al. Rare beta-thalassemia mutation IVS-II-848 (C-A) first reported in a Turkish Cypriot family. Am J Hematol. 1997 Apr;54(4):338-9. PMID: 9092695. Wong C et al. Beta-thalassemia due to two novel nucleotide substitutions in consensus acceptor splice sequences of the beta-globin gene. Blood. 1989 Mar;73(4):914-8. PMID: 2920213.

Center for Genomic Medicine, Rigshospitalet, Copenhagen University Hospital
Classification: Pathogenic. Last evaluated: 2025-03-04. Review status: criteria provided, single submitter. Criteria: ACMG Guidelines, 2015. Collection method: clinical testing. Allele origin: germline.

Labcorp Genetics (formerly Invitae), Labcorp
Classification: Pathogenic. Last evaluated: 2024-01-02. Review status: criteria provided, single submitter. Criteria: Invitae Variant Classification Sherloc (09022015). Collection method: clinical testing. Allele origin: germline.
Comment: This sequence change falls in intron 2 of the HBB gene. It does not directly change the encoded amino acid sequence of the HBB protein. It affects a nucleotide within the consensus splice site. This variant is not present in population databases (gnomAD no frequency). This variant has been observed in individual(s) with autosomal recessive beta-thalassemia (PMID: 2458145, 2920213, 25617386, 28276871). In at least one individual the data is consistent with being in trans (on the opposite chromosome) from a pathogenic variant. This variant is also known as IVS-II-848. ClinVar contains an entry for this variant (Variation ID: 15451). Variants that disrupt the consensus splice site are a relatively common cause of aberrant splicing (PMID: 17576681, 9536098). Algorithms developed to predict the effect of sequence changes on RNA splicing suggest that this variant may disrupt the consensus splice site. For these reasons, this variant has been classified as Pathogenic.

GeneDx
Classification: Pathogenic. Last evaluated: 2023-07-27. Review status: criteria provided, single submitter. Criteria: GeneDx Variant Classification Process June 2021. Collection method: clinical testing. Allele origin: germline. Affected: yes.
Comment: Canonical splice site variant predicted to result in an in-frame loss of the adjacent exon in a gene for which loss of function is a known mechanism of disease; This variant is associated with the following publications: (PMID: 32069775, 25087612, 2458145, 2920213, 9140720, 25617386, 24985555, 25408857, 31718331, 9163586)

PreventionGenetics, part of Exact Sciences
Classification: Pathogenic for HBB-related condition. Last evaluated: 2023-02-17. Review status: criteria provided, single submitter. Criteria: ACMG Guidelines, 2015. Collection method: clinical testing. Allele origin: germline.
Comment: The HBB c.316-3C>A variant is predicted to interfere with splicing. The HBB gene variant c.316-3C>A, also reported as IVS-II-848 using legacy nomenclature, has been reported in multiple individuals with beta thalassemia (el-Kalla S et al 1997. PubMed ID: 9140720; Kurtoğlu A et al 2017. PubMed ID: 28276871; Elmezayen AD et al 2015. PubMed ID: 25617386; Gonzalez-Redondo et al 1988. PubMed ID: 2458145). The c.316-3C>A variant has also been interpreted as pathogenic by different laboratories. Together we classify the c.316-3C>A variant as pathogenic.

Fulgent Genetics
Classification: Pathogenic for Heinz body anemia; Hereditary persistence of fetal hemoglobin; Dominant beta-thalassemia; Hb SS disease; alpha Thalassemia; Malaria, susceptibility to; Beta-thalassemia HBB/LCRB; METHEMOGLOBINEMIA, BETA TYPE; Erythrocytosis, familial, 6. Last evaluated: 2022-02-13. Review status: criteria provided, single submitter. Criteria: ACMG Guidelines, 2015. Collection method: clinical testing. Allele origin: unknown.

Quest Diagnostics Nichols Institute San Juan Capistrano
Classification: Pathogenic. Last evaluated: 2021-12-15. Review status: criteria provided, single submitter. Criteria: Quest Diagnostics criteria. Collection method: clinical testing. Allele origin: unknown.
Comment: The HBB c.316-3C>A pathogenic variant (also known as IVS-II-848 (C>A) is located adjacent to a canonical splice-acceptor site and interferes with normal HBB mRNA splicing (PMID: 2920213 (1989)). This variant has been reported to reduce the amount of normal beta-globin mRNA synthesized from the mutant allele, and is associated with beta-thalassemia (PMIDs: 2458145 (1988), 2920213 (1989), 25617386 (2015), 28276871 (2016), 31718331 (2020), and 32069775 (2020)). The frequency of this variant in the general population, 0.000062 (1/16256 chromosomes (Genome Aggregation Database)), is uninformative in the assessment of its pathogenicity. Based on the available information, this variant is classified as pathogenic.

CeGaT Center for Human Genetics Tuebingen
Classification: Pathogenic. Last evaluated: 2021-07-01. Review status: criteria provided, single submitter. Criteria: CeGaT Center For Human Genetics Tuebingen Variant Classification Criteria Version 2. Collection method: clinical testing. Allele origin: germline. Affected: yes. Observed: 1 variant allele.

Revvity Omics, Revvity
Classification: Likely pathogenic. Last evaluated: 2021-06-11. Review status: criteria provided, single submitter. Criteria: ACMG Guidelines, 2015. Collection method: clinical testing. Allele origin: germline.

NM_000518.5(HBB):c.316-3C>A

Genes: HBB (hemoglobin subunit beta; minus strand), LOC107133510 (origin of replication at HBB; plus strand), LOC110006319 (beta-globin gene 3' regulatory region; plus strand). Cytogenetic location: 11p15.4.
Variant type: single nucleotide variant.
Coding change: c.316-3C>A on transcript NM_000518.5 (MANE Select); 3 bases into the intron before coding-DNA position 316, C replaced by A.
Molecular consequence: intron variant.
Genome position (GRCh38, 1-based): chr11:5,225,729, G>T on the plus strand (C>A on the coding strand, the complement: HBB is on the minus strand). VCF-style: chr11-5225729-G-T. GRCh37 (hg19) VCF-style: chr11-5246959-G-T.
Other names: IVS II-848 (C>A); IVS2, C-A, -3.
Identifiers: ClinVar variation 15451 (VCV000015451.138), dbSNP rs33913413, ClinGen allele CA125314.